The following is an entry in ClinVar:

NM_000393.5(COL5A2):c.4375A>G (p.Lys1459Glu)

Gene: COL5A2 (collagen type V alpha 2 chain; minus strand). Cytogenetic location: 2q32.2.
Variant type: single nucleotide variant.
Coding change: c.4375A>G on transcript NM_000393.5 (MANE Select); coding-DNA position 4375, A replaced by G.
Protein change: p.Lys1459Glu; replaces lysine 1459 with glutamic acid.
Molecular consequence: missense variant.
Genome position (GRCh38, 1-based): chr2:189,034,195, T>C on the plus strand (A>G on the coding strand, the complement: COL5A2 is on the minus strand). VCF-style: chr2-189034195-T-C. GRCh37 (hg19) VCF-style: chr2-189898921-T-C.
Other names: short protein forms K1459E.
Identifiers: ClinVar variation 4074662 (VCV004074662.1).

ClinVar aggregate classification (germline): Uncertain significance (1 of 4 stars; one submission).

gnomAD v4.1: 2 of 1,613,996 alleles (0.00012%); highest among the groups gnomAD compares: Non-Finnish European, 0.000085%; no homozygotes.

Submission:

GeneDx
Classification: Uncertain significance. Last evaluated: 2025-02-06. Review status: criteria provided, single submitter. Criteria: GeneDx Variant Classification Process June 2021. Collection method: clinical testing. Allele origin: germline. Affected: yes.
Comment: Not observed at significant frequency in large population cohorts (gnomAD); In silico analysis supports that this missense variant has a deleterious effect on protein structure/function; Has not been previously published as pathogenic or benign to our knowledge; This variant is associated with the following publications: (PMID: 22696272)